The following is an entry in ClinVar:

ClinVar aggregate classification (germline): Uncertain significance (1 of 4 stars; one submission).

Submission:

Women's Health and Genetics/Laboratory Corporation of America, LabCorp
Classification: Uncertain significance. Last evaluated: 2026-03-12. Review status: criteria provided, single submitter. Criteria: LabCorp Variant Classification Summary - May 2015. Collection method: clinical testing. Allele origin: germline.
Comment: Variant summary: The variant involves the duplication of exon 1 in the PURA gene. A presumed nomenclature of c.(?_-74)_(*10470_?)dup has been designated for the purposes of this classification. This duplication includes the entire coding sequence of the gene. As exact breakpoints are unknown, it may extend beyond the annotated region of the gene, to include other flanking genes. The variant was absent in 21694 control chromosomes. The available data on variant occurrences in the general population are insufficient to allow any conclusion about variant significance. To our knowledge, no occurrence of c.(?_-74)_(*10470_?)dup in individuals affected with PURA-related conditions and no experimental evidence demonstrating its impact on protein function have been reported. ClinVar contains an entry for this variant (Variation ID: 3246408). Based on the evidence outlined above, the variant was classified as uncertain significance.

NC_000005.9:g.(?_139493693)_(139505205_?)dup

Gene: PURA (purine rich element binding protein A; plus strand). Cytogenetic location: 5q31.2-31.3.
Variant type: Duplication.
Identifiers: ClinVar variation 4847285 (VCV004847285.1).